The following is an entry in ClinVar:

ClinVar aggregate classification (germline): Uncertain significance. Review status: criteria provided, single submitter (1 of 4 stars). 2 submissions from 2 submitters: Uncertain significance (1). 1 of the submissions does not count toward it. Last evaluated 2024-09-05.

Conditions:
Sterol carrier protein 2 deficiency. Also called: Leukoencephalopathy, dystonia, motor neuropathy syndrome; Leukoencephalopathy with dystonia and motor neuropathy. Identifiers: Orphanet 163684, MedGen C3150990, MONDO:0013391, OMIM 613724.

Allele frequency attached by ClinVar (database versions not stated): gnomAD 0.00001 and 0.00003; ESP Exome Variant Server 0.00008; 1000 Genomes Project 30x 0.00016; 1000 Genomes Project 0.00020; gnomAD exomes 0.00004 and 0.00003; TOPMed 0.00002; ExAC 0.00004.
gnomAD v4.1: 42 of 1,504,400 alleles (0.0028%); highest among the groups gnomAD compares: Non-Finnish European, 0.0036%; no homozygotes.

Submissions (2):

Labcorp Genetics (formerly Invitae), Labcorp
Classification: Uncertain significance. Last evaluated: 2024-09-05. Review status: criteria provided, single submitter. Criteria: Invitae Variant Classification Sherloc (09022015). Collection method: clinical testing. Allele origin: germline.
Comment: This sequence change replaces histidine, which is basic and polar, with arginine, which is basic and polar, at codon 191 of the SCP2 protein (p.His191Arg). This variant is present in population databases (rs372168791, gnomAD 0.007%). This missense change has been observed in individual(s) with progressive degenerative neurological disease (PMID: 35996156). ClinVar contains an entry for this variant (Variation ID: 1050589). An algorithm developed to predict the effect of missense changes on protein structure and function (PolyPhen-2) suggests that this variant is likely to be disruptive. Experimental studies are conflicting or provide insufficient evidence to determine the effect of this variant on SCP2 function (PMID: 35996156). In summary, the available evidence is currently insufficient to determine the role of this variant in disease. Therefore, it has been classified as a Variant of Uncertain Significance.

Department of Pathology and Laboratory Medicine, Sinai Health System
Classification: Uncertain significance for Sterol carrier protein 2 deficiency. Review status: no assertion criteria provided. Collection method: clinical testing. Allele origin: unknown. Affected: yes. Study: The Canadian Open Genetics Repository (COGR). Not counted in ClinVar's aggregate classification.
Comment: SCP2, c.572A>G, p.His191Arg, Heterozygous, Uncertain SignificanceVariant Interpretation: The p.His191Arg was not identified in the literature, nor was it identified in ClinVar or LOVD 3.0 databases. The variant was identified in dbSNP (rs372168791). The variant was identified in control databases in 11 of 282548 chromosomes at a frequency of 0.00003893 (Genome Aggregation Database March 6, 2019, v2.1.1). The variant was observed in the following populations: Other in 2 of 7204 chromosomes (freq: 0.000278), European (non-Finnish) in 9 of 129022 chromosomes (freq: 0.00007), but was not observed in the African, Latino, Ashkenazi Jewish, East Asian, European (Finnish), or South Asian populations. The p.His191 residue is conserved in mammals and other organisms, and 8 of 8 computational analyses (SIFT, FAHTMM, DANN, MT, MetaLR, Revel, PolyPhen, MutationTaster) suggest that the variant may impact the protein: however, this information is not predictive enough to assume pathogenicity. The variant occurs outside of the splicing consensus sequence and in silico or computational prediction software programs (SpliceSiteFinder, MaxEntScan, NNSPLICE, GeneSplicer) do not predict a difference in splicing. In summary, the clinical significance of this variant cannot be determined with certainty at this time. This variant is classified as a variant of uncertain significance. Disease Information:Â¬â€ Homozygous pathogenic variants in SCP2 have been reported in a patient with leukoencephalopathy with dystonia and motor neuropathy (OMIM: 613724, Ferdinandusse_2006_PMID: 16685654). Cranial magnetic resonance imaging (MRI) showed bilateral hyperintense signals in the thalamus, butterfly-like lesions in the pons, and lesions in the occipital region. Neurologic examination revealed hyposmia, pathologic saccadic eye movements, and a slight hypoacusis. Deep tendon reflexes were brisk in the arms but diminished in the lower extremities. There were slight cerebellar signs, with left-sided intention tremor and rebound phenomenon. Metabolite analyses of plasma revealed an accumulation of branched-chain pristanic acid, and abnormal bile alcohol glucuronides were excreted in urine. In cultured skin fibroblasts, the thiolytic activity of SCPx was deficient, and no SCPx protein could be detected by Western blotting. (Horvath_2015_PMID: 26497993). Biochemical analyses showed increased alanine transaminase (88 U/L, normal <40), gamma glutamyl transferase (78 U/L, normal <70), Å’Â±-fetoprotein (63 kU/L, normal <10), creatine kinase (777 U/L, normal <40â€šÃ„Ã¬320), and ferritin (539 Å’Âºg/L, normal <300 in men). Copper and ceruloplasmin were normal, as was the blood count, vitamin B12, and folate. Free carnitine (65 Å’Âºmol/L, normal <52) and total carnitine (85.6 Å’Âºmol/L, normal <63) were increased, and there was a nonspecific increase in long chain hydroxylacylcarnitines. (Horvath_2015_PMID: 26497993).Familial Risk:Â¬â€ Leukoencephalopathy with dystonia and motor neuropathy is inherited in an autosomal recessive manner. At conception, the siblings of an affected individual have a 25% chance of being affected, a 50% chance of being asymptomatic carriers, and a 25% chance of being unaffected and not carriers. Carrier testing for at-risk relatives at increased risk is possible if the pathogenic variants in the family are known.

Literature cited by the submitters: PubMed 35996156 (cited by Labcorp Genetics (formerly Invitae), Labcorp).

NM_002979.5(SCP2):c.572A>G (p.His191Arg)

Gene: SCP2 (sterol carrier protein 2; plus strand). Cytogenetic location: 1p32.3.
Variant type: single nucleotide variant.
Coding change: c.572A>G on transcript NM_002979.5 (MANE Select); coding-DNA position 572, A replaced by G.
Protein change: p.His191Arg; replaces histidine 191 with arginine.
Molecular consequence: missense variant.
Genome position (GRCh38, 1-based): chr1:52,974,817, A>G. VCF-style: chr1-52974817-A-G. GRCh37 (hg19) VCF-style: chr1-53440489-A-G.
Other names: c.440A>G, p.His147Arg (NM_001007098.3, NM_001193600.2); c.500A>G, p.His167Arg (NM_001193599.2); c.329A>G, p.His110Arg (NM_001193617.2); c.572A>G, p.His191Arg (NM_001330587.2); short protein forms H110R, H147R, H167R, H191R.
Identifiers: ClinVar variation 1050589 (VCV001050589.7), dbSNP rs372168791, ClinGen allele CA857154.
Genomic context (GRCh38, chr1:52,974,817, plus strand): 5'-CTTTCTTTACAGGAACAAAAATTGAACACTTTGCAAAAATTGGATGGAAAAATCATAAAC[A>G]TTCAGTTAATAACCCGTAAGTATTTCAGAGACATGAAATAATGAAAATCTGGGTTATCCT-3'
Protein context (NP_002970.2, residues 181-201): FAKIGWKNHK[His191Arg]SVNNPYSQFQ